The following is an entry in ClinVar:

ClinVar aggregate classification (germline): Uncertain significance (1 of 4 stars; one submission).

Conditions:
Glanzmann thrombasthenia. Also called: Glanzmann's thrombasthenia; BLEEDING DISORDER, PLATELET-TYPE, 2; THROMBASTHENIA OF GLANZMANN AND NAEGELI; Thrombasthenia; PLATELET GLYCOPROTEIN IIb-IIIa DEFICIENCY. Identifiers: Orphanet 849, MedGen C0040015, MONDO:0100326.

gnomAD v4.1: 10 of 1,614,132 alleles (0.00062%); highest among the groups gnomAD compares: Middle Eastern, 0.033%; no homozygotes.

Submission:

Labcorp Genetics (formerly Invitae), Labcorp
Classification: Uncertain significance for Glanzmann thrombasthenia. Last evaluated: 2024-07-17. Review status: criteria provided, single submitter. Criteria: Invitae Variant Classification Sherloc (09022015). Collection method: clinical testing. Allele origin: germline.
Comment: This sequence change replaces valine, which is neutral and non-polar, with alanine, which is neutral and non-polar, at codon 489 of the ITGA2B protein (p.Val489Ala). This variant is present in population databases (no rsID available, gnomAD 0.003%). This variant has not been reported in the literature in individuals affected with ITGA2B-related conditions. Advanced modeling of protein sequence and biophysical properties (such as structural, functional, and spatial information, amino acid conservation, physicochemical variation, residue mobility, and thermodynamic stability) performed at Invitae indicates that this missense variant is not expected to disrupt ITGA2B protein function with a negative predictive value of 80%. In summary, the available evidence is currently insufficient to determine the role of this variant in disease. Therefore, it has been classified as a Variant of Uncertain Significance.

NM_000419.5(ITGA2B):c.1466T>C (p.Val489Ala)

Gene: ITGA2B (integrin subunit alpha 2b; minus strand). Cytogenetic location: 17q21.31.
Variant type: single nucleotide variant.
Coding change: c.1466T>C on transcript NM_000419.5 (MANE Select); coding-DNA position 1466, T replaced by C.
Protein change: p.Val489Ala; replaces valine 489 with alanine.
Molecular consequence: missense variant.
Genome position (GRCh38, 1-based): chr17:44,380,464, A>G on the plus strand (T>C on the coding strand, the complement: ITGA2B is on the minus strand). VCF-style: chr17-44380464-A-G. GRCh37 (hg19) VCF-style: chr17-42457832-A-G.
Other names: short protein forms V489A.
Identifiers: ClinVar variation 3703620 (VCV003703620.2).